The following is an entry in ClinVar:

ClinVar aggregate classification (germline): Pathogenic (1 of 4 stars; one submission).

Conditions:
Intellectual developmental disorder, X-linked 1. Also called: Atkin Flaitz Patil Smith syndrome; MENTAL RETARDATION, X-LINKED 18; MENTAL RETARDATION, X-LINKED 78; Intellectual disability, X-linked 1. Identifiers: Orphanet 777, MedGen C2931498, MONDO:0010656, OMIM 309530.

Submission:

Labcorp Genetics (formerly Invitae), Labcorp
Classification: Pathogenic for Intellectual developmental disorder, X-linked 1. Last evaluated: 2025-10-07. Review status: criteria provided, single submitter. Criteria: Invitae Variant Classification Sherloc (09022015). Collection method: clinical testing. Allele origin: germline.
Comment: This sequence change creates a premature translational stop signal (p.Gln1108Alafs*16) in the IQSEC2 gene. It is expected to result in an absent or disrupted protein product. Loss-of-function variants in IQSEC2 are known to be pathogenic (PMID: 21686261, 26793055, 27665735). This variant is not present in population databases (gnomAD no frequency). This variant has not been reported in the literature in individuals affected with IQSEC2-related conditions. For these reasons, this variant has been classified as Pathogenic.

Literature cited by the submitters: PubMed 21686261; PubMed 26793055; PubMed 27665735.

NM_001111125.3(IQSEC2):c.3322_3323del (p.Gln1108fs)

Gene: IQSEC2 (IQ motif and Sec7 domain ArfGEF 2; minus strand). Cytogenetic location: Xp11.22.
Variant type: Microsatellite.
Coding change: c.3322_3323del on transcript NM_001111125.3 (MANE Select); coding-DNA positions 3322 to 3323, 2 bases deleted (CA; older notation c.3322_3323delCA).
Protein change: p.Gln1108fs; shifts the reading frame from glutamine 1108.
Molecular consequence: frameshift variant.
Genome position (GRCh38, 1-based): chrX:53,236,450-53,236,451, TG deleted on the plus strand (CA on the coding strand, the reverse complement: IQSEC2 is on the minus strand); deleting any 2 consecutive bases within chrX:53,236,450-53,236,453 gives the same sequence; the c. name uses the placement nearest the transcript's 3' end. VCF-style (leftmost placement, unchanged base first): chrX-53236449-CTG-C. GRCh37 (hg19) VCF-style: chrX-53265631-CTG-C.
Other names: c.2707_2708del, p.Gln903fs (NM_015075.2); c.3322_3323del, p.Gln1108fs (NM_001410736.1, NM_001441092.1); c.2824_2825del, p.Gln942fs (NM_001441093.1); c.2611_2612del, p.Gln871fs (NM_001441094.1, NM_001441095.1); short protein forms Q942fs, Q871fs, Q1108fs, Q903fs.
Identifiers: ClinVar variation 4728628 (VCV004728628.1).